The following is an entry in ClinVar:

ClinVar aggregate classification (germline): Uncertain significance (1 of 4 stars; one submission).

Submission:

Labcorp Genetics (formerly Invitae), Labcorp
Classification: Uncertain significance. Last evaluated: 2022-08-09. Review status: criteria provided, single submitter. Criteria: Invitae Variant Classification Sherloc (09022015). Collection method: clinical testing. Allele origin: germline.
Comment: In summary, the available evidence is currently insufficient to determine the role of this variant in disease. Therefore, it has been classified as a Variant of Uncertain Significance. Algorithms developed to predict the effect of missense changes on protein structure and function are either unavailable or do not agree on the potential impact of this missense change (SIFT: "Tolerated"; PolyPhen-2: "Probably Damaging"; Align-GVGD: "Class C0"). This variant has not been reported in the literature in individuals affected with RSPRY1-related conditions. This variant is not present in population databases (gnomAD no frequency). This sequence change replaces cysteine, which is neutral and slightly polar, with tyrosine, which is neutral and polar, at codon 355 of the RSPRY1 protein (p.Cys355Tyr).

NM_133368.3(RSPRY1):c.1064G>A (p.Cys355Tyr)

Gene: RSPRY1 (ring finger and SPRY domain containing 1; plus strand). Cytogenetic location: 16q13.
Variant type: single nucleotide variant.
Coding change: c.1064G>A on transcript NM_133368.3 (MANE Select); coding-DNA position 1064, G replaced by A.
Protein change: p.Cys355Tyr; replaces cysteine 355 with tyrosine.
Molecular consequence: missense variant.
Genome position (GRCh38, 1-based): chr16:57,221,318, G>A. VCF-style: chr16-57221318-G-A. GRCh37 (hg19) VCF-style: chr16-57255230-G-A.
Other names: c.1064G>A, p.Cys355Tyr (NM_001305163.2, NM_001305164.2); short protein forms C355Y.
Identifiers: ClinVar variation 2091527 (VCV002091527.4), dbSNP rs2545885900, ClinGen allele CA396018069.